The following is an entry in ClinVar:

NM_001033855.3(DCLRE1C):c.671G>A (p.Gly224Glu)

Gene: DCLRE1C (DNA cross-link repair 1C; minus strand). Cytogenetic location: 10p13.
Variant type: single nucleotide variant.
Coding change: c.671G>A on transcript NM_001033855.3 (MANE Select); coding-DNA position 671, G replaced by A.
Protein change: p.Gly224Glu; replaces glycine 224 with glutamic acid.
Molecular consequence: missense variant. On other transcripts: non-coding transcript variant (4).
Genome position (GRCh38, 1-based): chr10:14,934,387, C>T on the plus strand (G>A on the coding strand, the complement: DCLRE1C is on the minus strand). VCF-style: chr10-14934387-C-T. GRCh37 (hg19) VCF-style: chr10-14976386-C-T.
Other names: c.311G>A, p.Gly104Glu (NM_001033857.3, NM_001033858.3, NM_001289077.2 and 2 more transcripts); c.326G>A, p.Gly109Glu (NM_001289076.2, NM_001289078.2, NM_001350966.2 and 1 more transcripts); c.671G>A, p.Gly224Glu (NM_001350965.2); short protein forms G109E, G224E, G104E.
Identifiers: ClinVar variation 1905168 (VCV001905168.4), dbSNP rs2492023979, ClinGen allele CA376059364.

ClinVar aggregate classification (germline): Uncertain significance (1 of 4 stars; one submission).

Conditions:
Severe combined immunodeficiency due to DCLRE1C deficiency (RS-SCID). Also called: SCID, AUTOSOMAL RECESSIVE, T CELL-NEGATIVE, B CELL-NEGATIVE, NK CELL-POSITIVE, WITH SENSITIVITY TO IONIZING RADIATION. Identifiers: Orphanet 275, MedGen C1865371, MONDO:0011225, OMIM 602450.

Submission:

Labcorp Genetics (formerly Invitae), Labcorp
Classification: Uncertain significance for Athabaskan severe combined immunodeficiency. Last evaluated: 2024-02-17. Review status: criteria provided, single submitter. Criteria: Invitae Variant Classification Sherloc (09022015). Collection method: clinical testing. Allele origin: germline.
Comment: This sequence change replaces glycine, which is neutral and non-polar, with glutamic acid, which is acidic and polar, at codon 224 of the DCLRE1C protein (p.Gly224Glu). This variant is not present in population databases (gnomAD no frequency). This variant has not been reported in the literature in individuals affected with DCLRE1C-related conditions. ClinVar contains an entry for this variant (Variation ID: 1905168). Advanced modeling of protein sequence and biophysical properties (such as structural, functional, and spatial information, amino acid conservation, physicochemical variation, residue mobility, and thermodynamic stability) performed at Invitae indicates that this missense variant is not expected to disrupt DCLRE1C protein function with a negative predictive value of 80%. In summary, the available evidence is currently insufficient to determine the role of this variant in disease. Therefore, it has been classified as a Variant of Uncertain Significance.